The following is an entry in ClinVar:

ClinVar aggregate classification (germline): Likely benign. Review status: criteria provided, multiple submitters, no conflicts (2 of 4 stars). 2 submissions from 2 submitters: Likely benign (2). Last evaluated 2025-09-10.

Conditions:
DCHS1-related disorder. Also called: DCHS1-related condition.

Submissions (2):

Labcorp Genetics (formerly Invitae), Labcorp
Classification: Likely benign. Last evaluated: 2025-09-10. Review status: criteria provided, single submitter. Criteria: Invitae Variant Classification Sherloc (09022015). Collection method: clinical testing. Allele origin: germline.

PreventionGenetics, part of Exact Sciences
Classification: Likely benign for DCHS1-related condition. Last evaluated: 2024-10-26. Review status: criteria provided, single submitter. Criteria: ACMG Guidelines, 2015. Collection method: clinical testing. Allele origin: germline.
Comment: This variant is classified as likely benign based on ACMG/AMP sequence variant interpretation guidelines (Richards et al. 2015 PMID: 25741868, with internal and published modifications).

NM_003737.4(DCHS1):c.1095C>A (p.Ile365=)

Gene: DCHS1 (dachsous cadherin-related 1; minus strand). Cytogenetic location: 11p15.4.
Variant type: single nucleotide variant.
Coding change: c.1095C>A on transcript NM_003737.4 (MANE Select); coding-DNA position 1095, C replaced by A.
Protein change: p.Ile365=; no amino-acid change (isoleucine 365 retained).
Molecular consequence: synonymous variant.
Genome position (GRCh38, 1-based): chr11:6,640,519, G>T on the plus strand (C>A on the coding strand, the complement: DCHS1 is on the minus strand). VCF-style: chr11-6640519-G-T. GRCh37 (hg19) VCF-style: chr11-6661750-G-T.
Other names: c.1095C>A (NM_003737.3).
Identifiers: ClinVar variation 3712369 (VCV003712369.3).